The following is an entry in ClinVar:

NM_001372.4(DNAH9):c.10534A>T (p.Asn3512Tyr)

Genes: DNAH9 (dynein axonemal heavy chain 9; plus strand), LOC101928350 (uncharacterized LOC101928350; minus strand). Cytogenetic location: 17p12.
Variant type: single nucleotide variant.
Coding change: c.10534A>T on transcript NM_001372.4 (MANE Select); coding-DNA position 10534, A replaced by T.
Protein change: p.Asn3512Tyr; replaces asparagine 3512 with tyrosine.
Molecular consequence: missense variant.
Genome position (GRCh38, 1-based): chr17:11,880,133, A>T. VCF-style: chr17-11880133-A-T. GRCh37 (hg19) VCF-style: chr17-11783450-A-T.
Other names: short protein forms N3512Y.
Identifiers: ClinVar variation 3010417 (VCV003010417.3), dbSNP rs1972660068, ClinGen allele CA398197657.

ClinVar aggregate classification (germline): Uncertain significance (1 of 4 stars; one submission).

Submission:

Labcorp Genetics (formerly Invitae), Labcorp
Classification: Uncertain significance. Last evaluated: 2022-11-12. Review status: criteria provided, single submitter. Criteria: Invitae Variant Classification Sherloc (09022015). Collection method: clinical testing. Allele origin: germline.
Comment: This sequence change replaces asparagine, which is neutral and polar, with tyrosine, which is neutral and polar, at codon 3512 of the DNAH9 protein (p.Asn3512Tyr). This variant is not present in population databases (gnomAD no frequency). This variant has not been reported in the literature in individuals affected with DNAH9-related conditions. Advanced modeling of protein sequence and biophysical properties (such as structural, functional, and spatial information, amino acid conservation, physicochemical variation, residue mobility, and thermodynamic stability) performed at Invitae indicates that this missense variant is expected to disrupt DNAH9 protein function. In summary, the available evidence is currently insufficient to determine the role of this variant in disease. Therefore, it has been classified as a Variant of Uncertain Significance.